The following is an entry in ClinVar:

ClinVar aggregate classification (germline): Pathogenic (1 of 4 stars; one submission).

Conditions:
Hereditary cancer-predisposing syndrome. Also called: Neoplastic Syndromes, Hereditary; Tumor predisposition; Hereditary neoplastic syndrome; Hereditary Cancer Syndrome. Identifiers: Orphanet 140162, MedGen C0027672, MeSH D009386, MONDO:0015356.

Submission:

Ambry Genetics
Classification: Pathogenic for Hereditary cancer-predisposing syndrome. Last evaluated: 2024-01-12. Review status: criteria provided, single submitter. Criteria: Ambry Variant Classification Scheme 2023. Collection method: clinical testing. Allele origin: germline.
Comment: The c.5006delT pathogenic mutation, located in coding exon 10 of the BRCA2 gene, results from a deletion of one nucleotide at nucleotide position 5006, causing a translational frameshift with a predicted alternate stop codon (p.L1669*). This alteration is expected to result in loss of function by premature protein truncation or nonsense-mediated mRNA decay. As such, this alteration is interpreted as a disease-causing mutation.

NM_000059.4(BRCA2):c.5006del (p.Ala1668_Leu1669insTer)

Gene: BRCA2 (BRCA2 DNA repair associated; plus strand). Cytogenetic location: 13q13.1.
Variant type: Deletion.
Coding change: c.5006del on transcript NM_000059.4 (MANE Select); coding-DNA position 5006, one base deleted (T; older notation c.5006delT).
Protein change: p.Ala1668_Leu1669insTer.
Molecular consequence: nonsense.
Genome position (GRCh38, 1-based): chr13:32,339,361, T deleted; the last of 2 consecutive T bases (chr13:32,339,360-32,339,361); deleting either gives the same sequence. VCF-style (leftmost placement, unchanged base first): chr13-32339359-CT-C. GRCh37 (hg19) VCF-style: chr13-32913496-CT-C.
Identifiers: ClinVar variation 825364 (VCV000825364.4), dbSNP rs1593904133, ClinGen allele CA915948480.